The following is an entry in ClinVar:

ClinVar aggregate classification (germline): Uncertain significance (1 of 4 stars; one submission).

Conditions:
Oto-palato-digital syndrome, type II (OPD2). Also called: Otopalatodigital Syndrome Type 2 (FLNA-OPD2); Otopalatodigital Syndrome, Type II; FACIOPALATOOSSEOUS SYNDROME; OPD II SYNDROME. Identifiers: Orphanet 669, Orphanet 90652, MedGen C1844696, MONDO:0010571, OMIM 304120.
Frontometaphyseal dysplasia (FMD1). Identifiers: Orphanet 1826, MedGen C0265293, MONDO:0015942.
Melnick-Needles syndrome (MNS). Also called: Melnick-Needles Syndrome (FLNA-MNS); MELNICK-NEEDLES OSTEODYSPLASTY; OSTEODYSPLASTY OF MELNICK AND NEEDLES. Identifiers: Orphanet 2484, MedGen C0025237, MONDO:0010650, OMIM 309350.
Heterotopia, periventricular, X-linked dominant (PVNH1). Also called: PERIVENTRICULAR NODULAR HETEROTOPIA 4; HETEROTOPIA, PERIVENTRICULAR, 1; X-linked periventricular heterotopia; PERIVENTRICULAR NODULAR HETEROTOPIA 1. Identifiers: Orphanet 2149, Orphanet 82004, MedGen C1848213, MONDO:0010233, OMIM 300049.

Submission:

Labcorp Genetics (formerly Invitae), Labcorp
Classification: Uncertain significance for Oto-palato-digital syndrome, type II; Heterotopia, periventricular, X-linked dominant; Frontometaphyseal dysplasia; Melnick-Needles syndrome. Last evaluated: 2024-01-22. Review status: criteria provided, single submitter. Criteria: Invitae Variant Classification Sherloc (09022015). Collection method: clinical testing. Allele origin: germline.
Comment: This sequence change replaces histidine, which is basic and polar, with glutamine, which is neutral and polar, at codon 2050 of the FLNA protein (p.His2050Gln). This variant is not present in population databases (gnomAD no frequency). This variant has not been reported in the literature in individuals affected with FLNA-related conditions. ClinVar contains an entry for this variant (Variation ID: 2149511). Advanced modeling of protein sequence and biophysical properties (such as structural, functional, and spatial information, amino acid conservation, physicochemical variation, residue mobility, and thermodynamic stability) performed at Invitae indicates that this missense variant is not expected to disrupt FLNA protein function with a negative predictive value of 95%. In summary, the available evidence is currently insufficient to determine the role of this variant in disease. Therefore, it has been classified as a Variant of Uncertain Significance.

NM_001110556.2(FLNA):c.6174C>G (p.His2058Gln)

Gene: FLNA (filamin A; minus strand). Cytogenetic location: Xq28.
Variant type: single nucleotide variant.
Coding change: c.6174C>G on transcript NM_001110556.2 (MANE Select); coding-DNA position 6174, C replaced by G.
Protein change: p.His2058Gln; replaces histidine 2058 with glutamine.
Molecular consequence: missense variant.
Genome position (GRCh38, 1-based): chrX:154,353,053, G>C on the plus strand (C>G on the coding strand, the complement: FLNA is on the minus strand). VCF-style: chrX-154353053-G-C. GRCh37 (hg19) VCF-style: chrX-153581421-G-C.
Other names: c.6150C>G, p.His2050Gln (NM_001456.4); short protein forms H2058Q, H2050Q.
Identifiers: ClinVar variation 2149511 (VCV002149511.4), dbSNP rs781856226, ClinGen allele CA415195522.